The following is an entry in ClinVar:

NM_177438.3(DICER1):c.4349T>A (p.Ile1450Asn)

Gene: DICER1 (dicer 1, ribonuclease III; minus strand). Cytogenetic location: 14q32.13.
Variant type: single nucleotide variant.
Coding change: c.4349T>A on transcript NM_177438.3 (MANE Select); coding-DNA position 4349, T replaced by A.
Protein change: p.Ile1450Asn; replaces isoleucine 1450 with asparagine.
Molecular consequence: missense variant.
Genome position (GRCh38, 1-based): chr14:95,096,571, A>T on the plus strand (T>A on the coding strand, the complement: DICER1 is on the minus strand). VCF-style: chr14-95096571-A-T. GRCh37 (hg19) VCF-style: chr14-95562908-A-T.
Other names: c.4349T>A, p.Ile1450Asn (NM_001195573.1, NM_001271282.3, NM_001291628.2 and 1 more transcripts); short protein forms I1450N.
Identifiers: ClinVar variation 962965 (VCV000962965.11), dbSNP rs1890362954, ClinGen allele CA390869181.

ClinVar aggregate classification (germline): Uncertain significance (1 of 4 stars; one submission).

Conditions:
DICER1-related tumor predisposition. Also called: DICER1 syndrome; DICER1-related pleuropulmonary blastoma cancer predisposition syndrome. Identifiers: Orphanet 284343, MedGen C3839822, MONDO:0100216.

Submission:

Labcorp Genetics (formerly Invitae), Labcorp
Classification: Uncertain significance for DICER1-related tumor predisposition. Last evaluated: 2019-11-01. Review status: criteria provided, single submitter. Criteria: Invitae Variant Classification Sherloc (09022015). Collection method: clinical testing. Allele origin: germline.
Comment: This variant has not been reported in the literature in individuals with DICER1-related conditions. This sequence change replaces isoleucine with asparagine at codon 1450 of the DICER1 protein (p.Ile1450Asn). The isoleucine residue is highly conserved and there is a large physicochemical difference between isoleucine and asparagine. This variant is not present in population databases (ExAC no frequency). Algorithms developed to predict the effect of missense changes on protein structure and function are either unavailable or do not agree on the potential impact of this missense change (SIFT: "Deleterious"; PolyPhen-2: "Probably Damaging"; Align-GVGD: "Class C0"). In summary, the available evidence is currently insufficient to determine the role of this variant in disease. Therefore, it has been classified as a Variant of Uncertain Significance.